The following is an entry in ClinVar:

ClinVar aggregate classification (germline): Likely benign. Review status: criteria provided, multiple submitters, no conflicts (2 of 4 stars). 2 submissions from 2 submitters: Likely benign (2). Last evaluated 2025-11-30.

Conditions:
ANLN-related disorder. Also called: ANLN-related condition.

Allele frequency attached by ClinVar (database versions not stated): gnomAD 0.00001; 1000 Genomes Project 30x 0.00016; ExAC 0.00017; gnomAD exomes 0.00018; 1000 Genomes Project 0.00020.
gnomAD v4.1: 40 of 1,510,052 alleles (0.0026%); highest among the groups gnomAD compares: Admixed American, 0.084%; no homozygotes.

Submissions (2):

PreventionGenetics, part of Exact Sciences
Classification: Likely benign for ANLN-related condition. Last evaluated: 2025-11-30. Review status: criteria provided, single submitter. Criteria: ACMG Guidelines, 2015. Collection method: clinical testing. Allele origin: germline.
Comment: This variant is classified as likely benign based on ACMG/AMP sequence variant interpretation guidelines (Richards et al. 2015 PMID: 25741868, with internal and published modifications).

Labcorp Genetics (formerly Invitae), Labcorp
Classification: Likely benign. Last evaluated: 2025-10-23. Review status: criteria provided, single submitter. Criteria: Invitae Variant Classification Sherloc (09022015). Collection method: clinical testing. Allele origin: germline.

NM_018685.5(ANLN):c.853G>C (p.Ala285Pro)

Gene: ANLN (anillin, actin binding protein; plus strand). Cytogenetic location: 7p14.2.
Variant type: single nucleotide variant.
Coding change: c.853G>C on transcript NM_018685.5 (MANE Select); coding-DNA position 853, G replaced by C.
Protein change: p.Ala285Pro; replaces alanine 285 with proline.
Molecular consequence: missense variant.
Genome position (GRCh38, 1-based): chr7:36,406,546, G>C. VCF-style: chr7-36406546-G-C. GRCh37 (hg19) VCF-style: chr7-36446155-G-C.
Other names: c.853G>C, p.Ala285Pro (NM_001284301.3, NM_001284302.3); c.853G>C (NM_018685.4); short protein forms A285P.
Identifiers: ClinVar variation 1569820 (VCV001569820.9), dbSNP rs188228038, ClinGen allele CA4219422.